The following is an entry in ClinVar:

ClinVar aggregate classification (germline): Uncertain significance (1 of 4 stars; one submission).

Submission:

CeGaT Center for Human Genetics Tuebingen
Classification: Uncertain significance. Last evaluated: 2024-10-01. Review status: criteria provided, single submitter. Criteria: CeGaT Center For Human Genetics Tuebingen Variant Classification Criteria Version 2. Collection method: clinical testing. Allele origin: germline. Affected: yes. Observed: 1 variant allele.
Comment: MACF1: PM2, PP3

NM_001394062.1(MACF1):c.4720C>T (p.Leu1574Phe)

Gene: MACF1 (microtubule actin crosslinking factor 1; plus strand). Cytogenetic location: 1p34.3.
Variant type: single nucleotide variant.
Coding change: c.4720C>T on transcript NM_001394062.1 (MANE Select); coding-DNA position 4720, C replaced by T.
Protein change: p.Leu1574Phe; replaces leucine 1574 with phenylalanine.
Molecular consequence: missense variant. On other transcripts: intron variant (1).
Genome position (GRCh38, 1-based): chr1:39,331,308, C>T. VCF-style: chr1-39331308-C-T. GRCh37 (hg19) VCF-style: chr1-39796980-C-T.
Other names: c.4629+3955C>T (NM_012090.5); short protein forms L1574F.
Identifiers: ClinVar variation 3389914 (VCV003389914.14).
Genomic context (GRCh38, chr1:39,331,308, plus strand): 5'-ATATTTCCCATCTTCAAAGCCATGCAAAAGGGCCTCCTTGACCAAGACACAGGCCTAGTG[C>T]TTCTGGAATCTCAGGTTATCATGTCTGGCCTCATTGCCCCTGAGACGGGTGAAAACCTCT-3'
Protein context (NP_001380991.1, residues 1564-1584): GLLDQDTGLV[Leu1574Phe]LESQVIMSGL